The following is an entry in ClinVar:

NM_002184.4(IL6ST):c.1981A>G (p.Ser661Gly)

Gene: IL6ST (interleukin 6 cytokine family signal transducer; minus strand). Cytogenetic location: 5q11.2.
Variant type: single nucleotide variant.
Coding change: c.1981A>G on transcript NM_002184.4 (MANE Select); coding-DNA position 1981, A replaced by G.
Protein change: p.Ser661Gly; replaces serine 661 with glycine.
Molecular consequence: missense variant. On other transcripts: 3 prime UTR variant (1), non-coding transcript variant (2).
Genome position (GRCh38, 1-based): chr5:55,942,708, T>C on the plus strand (A>G on the coding strand, the complement: IL6ST is on the minus strand). VCF-style: chr5-55942708-T-C. GRCh37 (hg19) VCF-style: chr5-55238536-T-C.
Other names: c.1798A>G, p.Ser600Gly (NM_001190981.2); c.1879A>G, p.Ser627Gly (NM_001364275.2); c.1771A>G, p.Ser591Gly (NM_001364276.2); c.1114A>G, p.Ser372Gly (NM_001364277.2); c.1078A>G, p.Ser360Gly (NM_001364278.2); c.985A>G, p.Ser329Gly (NM_001364279.2); c.*908A>G (NM_175767.3); short protein forms S372G, S661G, S627G, S329G, S360G, S591G, S600G.
Identifiers: ClinVar variation 2751428 (VCV002751428.3), dbSNP rs2533436231, ClinGen allele CA359780962.

ClinVar aggregate classification (germline): Uncertain significance (1 of 4 stars; one submission).

Submission:

Labcorp Genetics (formerly Invitae), Labcorp
Classification: Uncertain significance. Last evaluated: 2023-08-09. Review status: criteria provided, single submitter. Criteria: Invitae Variant Classification Sherloc (09022015). Collection method: clinical testing. Allele origin: germline.
Comment: This sequence change replaces serine, which is neutral and polar, with glycine, which is neutral and non-polar, at codon 661 of the IL6ST protein (p.Ser661Gly). This variant is not present in population databases (gnomAD no frequency). This variant has not been reported in the literature in individuals affected with IL6ST-related conditions. An algorithm developed to predict the effect of missense changes on protein structure and function (PolyPhen-2) suggests that this variant is likely to be disruptive. In summary, the available evidence is currently insufficient to determine the role of this variant in disease. Therefore, it has been classified as a Variant of Uncertain Significance.